The following is an entry in ClinVar:

ClinVar aggregate classification (germline): Uncertain significance. Review status: criteria provided, multiple submitters, no conflicts (2 of 4 stars). 2 submissions from 2 submitters: Uncertain significance (2). Last evaluated 2024-02-15.

Allele frequency attached by ClinVar (database versions not stated): ExAC 0.00005; gnomAD 0.00007 and 0.00008; gnomAD exomes 0.00007 and 0.00021; TOPMed 0.00009; ESP Exome Variant Server 0.00023.
gnomAD v4.1: 325 of 1,613,332 alleles (0.02%); highest among the groups gnomAD compares: Non-Finnish European, 0.025%; no homozygotes.

Submissions (2):

GeneDx
Classification: Uncertain significance. Last evaluated: 2024-02-15. Review status: criteria provided, single submitter. Criteria: GeneDx Variant Classification Process June 2021. Collection method: clinical testing. Allele origin: germline. Affected: yes.
Comment: In silico analysis supports that this missense variant does not alter protein structure/function; Has not been previously published as pathogenic or benign to our knowledge

Labcorp Genetics (formerly Invitae), Labcorp
Classification: Uncertain significance. Last evaluated: 2022-07-01. Review status: criteria provided, single submitter. Criteria: Invitae Variant Classification Sherloc (09022015). Collection method: clinical testing. Allele origin: germline.
Comment: This sequence change replaces isoleucine, which is neutral and non-polar, with lysine, which is basic and polar, at codon 1023 of the TTC37 protein (p.Ile1023Lys). This variant is present in population databases (rs200412353, gnomAD 0.01%). This variant has not been reported in the literature in individuals affected with TTC37-related conditions. ClinVar contains an entry for this variant (Variation ID: 1360470). Algorithms developed to predict the effect of missense changes on protein structure and function are either unavailable or do not agree on the potential impact of this missense change (SIFT: "Deleterious"; PolyPhen-2: "Benign"; Align-GVGD: "Class C0"). In summary, the available evidence is currently insufficient to determine the role of this variant in disease. Therefore, it has been classified as a Variant of Uncertain Significance.

NM_014639.4(SKIC3):c.3068T>A (p.Ile1023Lys)

Gene: SKIC3 (SKI3 subunit of superkiller complex; minus strand). Cytogenetic location: 5q15.
Variant type: single nucleotide variant.
Coding change: c.3068T>A on transcript NM_014639.4 (MANE Select); coding-DNA position 3068, T replaced by A.
Protein change: p.Ile1023Lys; replaces isoleucine 1023 with lysine.
Molecular consequence: missense variant.
Genome position (GRCh38, 1-based): chr5:95,506,958, A>T on the plus strand (T>A on the coding strand, the complement: SKIC3 is on the minus strand). VCF-style: chr5-95506958-A-T. GRCh37 (hg19) VCF-style: chr5-94842662-A-T.
Other names: c.3068T>A (NM_014639.3); short protein forms I1023K.
Identifiers: ClinVar variation 1360470 (VCV001360470.4), dbSNP rs200412353, ClinGen allele CA3346858.